The following is an entry in ClinVar:

NM_000179.3(MSH6):c.1724A>T (p.Asp575Val)

Gene: MSH6 (mutS homolog 6; plus strand). Cytogenetic location: 2p16.3.
Variant type: single nucleotide variant.
Coding change: c.1724A>T on transcript NM_000179.3 (MANE Select); coding-DNA position 1724, A replaced by T.
Protein change: p.Asp575Val; replaces aspartic acid 575 with valine.
Molecular consequence: missense variant.
Genome position (GRCh38, 1-based): chr2:47,799,707, A>T. VCF-style: chr2-47799707-A-T. GRCh37 (hg19) VCF-style: chr2-48026846-A-T.
Other names: c.1334A>T, p.Asp445Val (NM_001281492.2); c.818A>T, p.Asp273Val (NM_001281493.2, NM_001281494.2, NM_001406811.1 and 6 more transcripts); c.1820A>T, p.Asp607Val (NM_001406795.1, NM_001406802.1); c.1724A>T, p.Asp575Val (NM_001406796.1, NM_001406798.1, NM_001406800.1 and 3 more transcripts); c.1427A>T, p.Asp476Val (NM_001406797.1, NM_001406801.1, NM_001406805.1 and 10 more transcripts); c.1199A>T, p.Asp400Val (NM_001406799.1, NM_001406806.1, NM_001406807.1); c.1646A>T, p.Asp549Val (NM_001406804.1); c.1730A>T, p.Asp577Val (NM_001406813.1); and 1 more; short protein forms D575V, D273V, D400V, D445V, D476V, D519V, D549V, D577V.
Identifiers: ClinVar variation 1778829 (VCV001778829.7), dbSNP rs1669366197, ClinGen allele CA346748708.

ClinVar aggregate classification (germline): Uncertain significance. Review status: criteria provided, multiple submitters, no conflicts (2 of 4 stars). 2 submissions from 2 submitters: Uncertain significance (2). Last evaluated 2024-09-19.

Conditions:
Hereditary nonpolyposis colorectal neoplasms. Identifiers: MedGen C0009405, MeSH D003123.
Hereditary cancer-predisposing syndrome. Also called: Neoplastic Syndromes, Hereditary; Tumor predisposition; Hereditary Cancer Syndrome; Hereditary neoplastic syndrome. Identifiers: Orphanet 140162, MedGen C0027672, MeSH D009386, MONDO:0015356.

Submissions (2):

Labcorp Genetics (formerly Invitae), Labcorp
Classification: Uncertain significance for Hereditary nonpolyposis colorectal neoplasms. Last evaluated: 2024-09-19. Review status: criteria provided, single submitter. Criteria: Invitae Variant Classification Sherloc (09022015). Collection method: clinical testing. Allele origin: germline.
Comment: This sequence change replaces aspartic acid, which is acidic and polar, with valine, which is neutral and non-polar, at codon 575 of the MSH6 protein (p.Asp575Val). This variant is not present in population databases (gnomAD no frequency). This variant has not been reported in the literature in individuals affected with MSH6-related conditions. ClinVar contains an entry for this variant (Variation ID: 1778829). Invitae Evidence Modeling of protein sequence and biophysical properties (such as structural, functional, and spatial information, amino acid conservation, physicochemical variation, residue mobility, and thermodynamic stability) indicates that this missense variant is expected to disrupt MSH6 protein function with a positive predictive value of 95%. In summary, the available evidence is currently insufficient to determine the role of this variant in disease. Therefore, it has been classified as a Variant of Uncertain Significance.

Ambry Genetics
Classification: Uncertain significance for Hereditary cancer-predisposing syndrome. Last evaluated: 2020-01-07. Review status: criteria provided, single submitter. Criteria: Ambry Variant Classification Scheme 2023. Collection method: clinical testing. Allele origin: germline.
Comment: The p.D575V variant (also known as c.1724A>T), located in coding exon 4 of the MSH6 gene, results from an A to T substitution at nucleotide position 1724. The aspartic acid at codon 575 is replaced by valine, an amino acid with highly dissimilar properties. This amino acid position is highly conserved in available vertebrate species. In addition, this alteration is predicted to be deleterious by in silico analysis. Since supporting evidence is limited at this time, the clinical significance of this alteration remains unclear.